The following is an entry in ClinVar:

ClinVar aggregate classification (germline): Uncertain significance (1 of 4 stars; one submission).

Conditions:
Developmental and epileptic encephalopathy, 11 (DEE11). Also called: Early infantile epileptic encephalopathy 11. Identifiers: Orphanet 1934, MedGen C3150987, MONDO:0013388, OMIM 613721.
Seizures, benign familial infantile, 3 (BFIS3). Also called: CONVULSIONS, BENIGN FAMILIAL INFANTILE, 3; Familial neonatal seizures. Identifiers: Orphanet 140927, Orphanet 306, MedGen C1843140, MONDO:0011904, OMIM 607745.

Submission:

Labcorp Genetics (formerly Invitae), Labcorp
Classification: Uncertain significance for Seizures, benign familial infantile, 3; Developmental and epileptic encephalopathy, 11. Last evaluated: 2024-01-24. Review status: criteria provided, single submitter. Criteria: Invitae Variant Classification Sherloc (09022015). Collection method: clinical testing. Allele origin: germline.
Comment: This sequence change replaces leucine, which is neutral and non-polar, with valine, which is neutral and non-polar, at codon 416 of the SCN2A protein (p.Leu416Val). This variant is not present in population databases (gnomAD no frequency). This variant has not been reported in the literature in individuals affected with SCN2A-related conditions. Advanced modeling of protein sequence and biophysical properties (such as structural, functional, and spatial information, amino acid conservation, physicochemical variation, residue mobility, and thermodynamic stability) performed at Invitae indicates that this missense variant is expected to disrupt SCN2A protein function with a positive predictive value of 95%. In summary, the available evidence is currently insufficient to determine the role of this variant in disease. Therefore, it has been classified as a Variant of Uncertain Significance.

NM_001040142.2(SCN2A):c.1246C>G (p.Leu416Val)

Gene: SCN2A (sodium voltage-gated channel alpha subunit 2; plus strand). Cytogenetic location: 2q24.3.
Variant type: single nucleotide variant.
Coding change: c.1246C>G on transcript NM_001040142.2 (MANE Select); coding-DNA position 1246, C replaced by G.
Protein change: p.Leu416Val; replaces leucine 416 with valine.
Molecular consequence: missense variant.
Genome position (GRCh38, 1-based): chr2:165,313,971, C>G. VCF-style: chr2-165313971-C-G. GRCh37 (hg19) VCF-style: chr2-166170481-C-G.
Other names: c.1246C>G, p.Leu416Val (NM_001040143.2, NM_001371246.1, NM_001371247.1 and 1 more transcripts); short protein forms L416V.
Identifiers: ClinVar variation 3753536 (VCV003753536.2).